The following is an entry in ClinVar:

NM_005475.3(SH2B3):c.1274G>T (p.Arg425Leu)

Gene: SH2B3 (SH2B adaptor protein 3; plus strand). Cytogenetic location: 12q24.12.
Variant type: single nucleotide variant.
Coding change: c.1274G>T on transcript NM_005475.3 (MANE Select); coding-DNA position 1274, G replaced by T.
Protein change: p.Arg425Leu; replaces arginine 425 with leucine.
Molecular consequence: missense variant.
Genome position (GRCh38, 1-based): chr12:111,447,693, G>T. VCF-style: chr12-111447693-G-T. GRCh37 (hg19) VCF-style: chr12-111885497-G-T.
Other names: c.668G>T, p.Arg223Leu (NM_001291424.1); short protein forms R425L, R223L.
Identifiers: ClinVar variation 4630702 (VCV004630702.1).
Genomic context (GRCh38, chr12:111,447,693, plus strand): 5'-CCCACCATCCTCTCCTCCCACAGCACCTGCGCCTGTCGCTGACAGAGCGGGGCCAGTGCC[G>T]TGTGCAGCACCTCCACTTTCCCTCGGTCGTGGACATGCTCCACCACTTCCAGCGCTCGCC-3'
Protein context (NP_005466.1, residues 415-435): RLSLTERGQC[Arg425Leu]VQHLHFPSVV

ClinVar aggregate classification (germline): Uncertain significance (1 of 4 stars; one submission).

Conditions:
Inborn genetic diseases. Identifiers: MedGen C0950123, MeSH D030342.

Submission:

Ambry Genetics
Classification: Uncertain significance for Inborn genetic diseases. Last evaluated: 2025-10-05. Review status: criteria provided, single submitter. Criteria: Ambry Variant Classification Scheme 2023. Collection method: clinical testing. Allele origin: germline.
Comment: The p.R425L variant (also known as c.1274G>T), located in coding exon 6 of the SH2B3 gene, results from a G to T substitution at nucleotide position 1274. The arginine at codon 425 is replaced by leucine, an amino acid with dissimilar properties. This amino acid position is conserved. In addition, this alteration is predicted to be deleterious by in silico analysis. Based on the available evidence, the clinical significance of this variant remains unclear.